The following is an entry in ClinVar:

NM_001267550.2(TTN):c.37019C>T (p.Pro12340Leu)

Gene: TTN (titin; minus strand). Cytogenetic location: 2q31.2.
Variant type: single nucleotide variant.
Coding change: c.37019C>T on transcript NM_001267550.2 (MANE Select); coding-DNA position 37019, C replaced by T.
Protein change: p.Pro12340Leu; replaces proline 12340 with leucine.
Molecular consequence: missense variant. On other transcripts: intron variant (5).
Genome position (GRCh38, 1-based): chr2:178,662,358, G>A on the plus strand (C>T on the coding strand, the complement: TTN is on the minus strand). VCF-style: chr2-178662358-G-A. GRCh37 (hg19) VCF-style: chr2-179527085-G-A.
Other names: c.13283-20041C>T (NM_003319.4); c.13859-20041C>T (NM_133437.4); c.13658-20041C>T (NM_133432.3); c.31573+608C>T (NM_133378.4); c.34354+608C>T (NM_001256850.1); short protein forms P12340L.
Identifiers: ClinVar variation 535698 (VCV000535698.4), dbSNP rs778829839, ClinGen allele CA1997312.

ClinVar aggregate classification (germline): Uncertain significance. Review status: criteria provided, multiple submitters, no conflicts (2 of 4 stars). 2 submissions from 2 submitters: Uncertain significance (2). Last evaluated 2025-04-09.

Conditions:
Dilated cardiomyopathy 1G (CMD1G). Identifiers: Orphanet 154, MedGen C1858763, MONDO:0011400, OMIM 604145.
Autosomal recessive limb-girdle muscular dystrophy type 2J (LGMDR10). Also called: MUSCULAR DYSTROPHY, LIMB-GIRDLE, AUTOSOMAL RECESSIVE 10; Limb-girdle muscular dystrophy, type 2J. Identifiers: Orphanet 140922, MedGen C1837342, MONDO:0012127, OMIM 608807.
TTN-related disorder. Also called: TTN-related condition; TTN-related disease; TTN-related disorders.

Allele frequency attached by ClinVar (database versions not stated): ExAC 0.00004; gnomAD exomes 0.00009; TOPMed 0.00011; gnomAD 0.00012.

Submissions (2):

PreventionGenetics, part of Exact Sciences
Classification: Uncertain significance for TTN-related condition. Last evaluated: 2025-04-09. Review status: criteria provided, single submitter. Criteria: ACMG Guidelines, 2015. Collection method: clinical testing. Allele origin: germline.
Comment: The TTN c.37019C>T variant is predicted to result in the amino acid substitution p.Pro12340Leu. To our knowledge, this variant has not been reported in the literature. This variant is reported in 0.049% of alleles in individuals of Latino descent in gnomAD, including 3 homozygotes. This variant falls within a highly paralogous region, and therefore allele frequency data should be interpreted with caution. At this time, the clinical significance of this variant is uncertain due to the absence of conclusive functional and genetic evidence.

Labcorp Genetics (formerly Invitae), Labcorp
Classification: Uncertain significance for Dilated cardiomyopathy 1G; Autosomal recessive limb-girdle muscular dystrophy type 2J. Last evaluated: 2017-09-15. Review status: criteria provided, single submitter. Criteria: Invitae Variant Classification Sherloc (09022015). Collection method: clinical testing. Allele origin: germline.